The following is an entry in ClinVar:

ClinVar aggregate classification (germline): Uncertain significance (1 of 4 stars; one submission).

Allele frequency attached by ClinVar (database versions not stated): gnomAD exomes below 0.00001; ExAC 0.00001.
gnomAD v4.1: 1 of 1,614,130 alleles (0.000062%); highest among the groups gnomAD compares: Admixed American, 0.0017%; no homozygotes.

Submission:

Labcorp Genetics (formerly Invitae), Labcorp
Classification: Uncertain significance. Last evaluated: 2022-08-17. Review status: criteria provided, single submitter. Criteria: Invitae Variant Classification Sherloc (09022015). Collection method: clinical testing. Allele origin: germline.
Comment: In summary, the available evidence is currently insufficient to determine the role of this variant in disease. Therefore, it has been classified as a Variant of Uncertain Significance. Experimental studies and prediction algorithms are not available or were not evaluated, and the functional significance of this variant is currently unknown. This variant has not been reported in the literature in individuals affected with NDUFA9-related conditions. This variant is present in population databases (rs765316247, gnomAD 0.003%). This sequence change disrupts the translational stop signal of the NDUFA9 mRNA. It is expected to extend the length of the NDUFA9 protein by 27 additional amino acid residues.

NM_005002.5(NDUFA9):c.1132T>A (p.Ter378Lys)

Gene: NDUFA9 (NADH:ubiquinone oxidoreductase subunit A9; plus strand). Cytogenetic location: 12p13.32.
Variant type: single nucleotide variant.
Coding change: c.1132T>A on transcript NM_005002.5 (MANE Select); coding-DNA position 1132, T replaced by A.
Protein change: p.Ter378Lys.
Molecular consequence: stop lost.
Genome position (GRCh38, 1-based): chr12:4,687,106, T>A. VCF-style: chr12-4687106-T-A. GRCh37 (hg19) VCF-style: chr12-4796272-T-A.
Identifiers: ClinVar variation 2125800 (VCV002125800.4), dbSNP rs765316247, ClinGen allele CA6398389.